The following is an entry in ClinVar:

ClinVar aggregate classification (germline): Uncertain significance. Review status: criteria provided, multiple submitters, no conflicts (2 of 4 stars). 2 submissions from 2 submitters: Uncertain significance (2). Last evaluated 2025-02-27.

Conditions:
Hereditary cancer-predisposing syndrome. Also called: Hereditary neoplastic syndrome; Neoplastic Syndromes, Hereditary; Tumor predisposition; Hereditary Cancer Syndrome. Identifiers: Orphanet 140162, MedGen C0027672, MeSH D009386, MONDO:0015356.
Hereditary breast ovarian cancer syndrome. Also called: Hereditary breast and/or ovarian cancer syndrome; Hereditary breast and ovarian cancer syndrome (HBOC); Breast and ovarian cancer; Hereditary breast and ovarian cancer; BRCA1- and BRCA2-Associated Hereditary Breast and Ovarian Cancer; Hereditary breast and ovarian cancer syndrome. Identifiers: Orphanet 145, MedGen C0677776, MeSH D061325, MONDO:0003582. Disease mechanism: loss of function.

Submissions (2):

Ambry Genetics
Classification: Uncertain significance for Hereditary cancer-predisposing syndrome. Last evaluated: 2025-02-27. Review status: criteria provided, single submitter. Criteria: Ambry Variant Classification Scheme 2023. Collection method: clinical testing. Allele origin: germline.
Comment: The p.L756F variant (also known as c.2266C>T), located in coding exon 15 of the BRIP1 gene, results from a C to T substitution at nucleotide position 2266. The leucine at codon 756 is replaced by phenylalanine, an amino acid with highly similar properties. This amino acid position is highly conserved in available vertebrate species. In addition, the in silico prediction for this alteration is inconclusive. Based on the available evidence, the clinical significance of this variant remains unclear.

Cancer Genomics Group, Japanese Foundation For Cancer Research
Classification: Uncertain significance for Hereditary breast and ovarian cancer syndrome. Last evaluated: 2019-05-01. Review status: criteria provided, single submitter. Criteria: ACMG Guidelines, 2015. Collection method: research. Allele origin: germline. Affected: yes.

NM_032043.3(BRIP1):c.2266C>T (p.Leu756Phe)

Gene: BRIP1 (BRCA1 interacting DNA helicase 1; minus strand). Cytogenetic location: 17q23.2.
Variant type: single nucleotide variant.
Coding change: c.2266C>T on transcript NM_032043.3 (MANE Select); coding-DNA position 2266, C replaced by T.
Protein change: p.Leu756Phe; replaces leucine 756 with phenylalanine.
Molecular consequence: missense variant.
Genome position (GRCh38, 1-based): chr17:61,743,126, G>A on the plus strand (C>T on the coding strand, the complement: BRIP1 is on the minus strand). VCF-style: chr17-61743126-G-A. GRCh37 (hg19) VCF-style: chr17-59820487-G-A.
Other names: c.2266C>T (NM_032043.2); short protein forms L756F.
Identifiers: ClinVar variation 830257 (VCV000830257.3), dbSNP rs2077009187, ClinGen allele CA400482750.
Genomic context (GRCh38, chr17:61,743,126, plus strand): 5'-CATTGTCATCTGAGAAATCCAGACCCTCACTCACTTTACCACGACAAACTGCTACCAGGA[G>A]AGCTCCATCTTAAACAACAGAAAAAAGCATATCCAAAATTCTCAGAAATTGCTTATTCTT-3'
Protein context (NP_114432.2, residues 746-766): IKYKGEKDGA[Leu756Phe]LVAVCRGKVS